The following is an entry in ClinVar:

ClinVar aggregate classification (germline): Uncertain significance (1 of 4 stars; one submission).

Allele frequency attached by ClinVar (database versions not stated): gnomAD 0.00001; TOPMed 0.00001; ExAC 0.00002; ESP Exome Variant Server 0.00008.

Submission:

Labcorp Genetics (formerly Invitae), Labcorp
Classification: Uncertain significance. Last evaluated: 2024-10-21. Review status: criteria provided, single submitter. Criteria: Invitae Variant Classification Sherloc (09022015). Collection method: clinical testing. Allele origin: germline.
Comment: This sequence change replaces serine, which is neutral and polar, with leucine, which is neutral and non-polar, at codon 291 of the PAX1 protein (p.Ser291Leu). This variant is present in population databases (rs372580256, gnomAD 0.003%). This variant has not been reported in the literature in individuals affected with PAX1-related conditions. ClinVar contains an entry for this variant (Variation ID: 2050417). Invitae Evidence Modeling of protein sequence and biophysical properties (such as structural, functional, and spatial information, amino acid conservation, physicochemical variation, residue mobility, and thermodynamic stability) indicates that this missense variant is not expected to disrupt PAX1 protein function with a negative predictive value of 80%. In summary, the available evidence is currently insufficient to determine the role of this variant in disease. Therefore, it has been classified as a Variant of Uncertain Significance.

NM_001257096.2(PAX1):c.872C>T (p.Ser291Leu)

Gene: PAX1 (paired box 1; plus strand). Cytogenetic location: 20p11.22.
Variant type: single nucleotide variant.
Coding change: c.872C>T on transcript NM_001257096.2 (MANE Select); coding-DNA position 872, C replaced by T.
Protein change: p.Ser291Leu; replaces serine 291 with leucine.
Molecular consequence: missense variant.
Genome position (GRCh38, 1-based): chr20:21,707,023, C>T. VCF-style: chr20-21707023-C-T. GRCh37 (hg19) VCF-style: chr20-21687661-C-T.
Other names: c.872C>T, p.Ser291Leu (NM_006192.5); short protein forms S291L.
Identifiers: ClinVar variation 2050417 (VCV002050417.2), dbSNP rs372580256, ClinGen allele CA9786585.
Genomic context (GRCh38, chr20:21,707,023, plus strand): 5'-CCGGGGTCCCGGGCACGGCGGGCCACGTCAGCATCCCGCGCTCATGGCCCTCGGCACACT[C>T]GGTCAGCAACATCCTGGGCATCCGGACGTTTATGGAGCAAACAGGTCAGTTGTGGCGGCC-3'
Protein context (NP_001244025.1, residues 281-301): SIPRSWPSAH[Ser291Leu]VSNILGIRTF